The following is an entry in ClinVar:

ClinVar aggregate classification (germline): Uncertain significance (1 of 4 stars; one submission).

Conditions:
Diffuse cerebral and cerebellar atrophy - intractable seizures - progressive microcephaly syndrome. Also called: Microcephaly, progressive, with seizures and cerebral and cerebellar atrophy. Identifiers: Orphanet 404437, MedGen C4014239, MONDO:0014335, OMIM 615760.

gnomAD v4.1: 14 of 1,614,084 alleles (0.00087%); highest among the groups gnomAD compares: South Asian, 0.0011%; no homozygotes.

Submission:

Labcorp Genetics (formerly Invitae), Labcorp
Classification: Uncertain significance for Diffuse cerebral and cerebellar atrophy - intractable seizures - progressive microcephaly syndrome. Last evaluated: 2024-12-16. Review status: criteria provided, single submitter. Criteria: Invitae Variant Classification Sherloc (09022015). Collection method: clinical testing. Allele origin: germline.
Comment: This sequence change replaces proline, which is neutral and non-polar, with serine, which is neutral and polar, at codon 596 of the QARS protein (p.Pro596Ser). This variant is present in population databases (no rsID available, gnomAD 0.002%). This variant has not been reported in the literature in individuals affected with QARS-related conditions. Invitae Evidence Modeling of protein sequence and biophysical properties (such as structural, functional, and spatial information, amino acid conservation, physicochemical variation, residue mobility, and thermodynamic stability) has been performed for this missense variant. However, the output from this modeling did not meet the statistical confidence thresholds required to predict the impact of this variant on QARS protein function. In summary, the available evidence is currently insufficient to determine the role of this variant in disease. Therefore, it has been classified as a Variant of Uncertain Significance.

NM_005051.3(QARS1):c.1786C>T (p.Pro596Ser)

Gene: QARS1 (glutaminyl-tRNA synthetase 1; minus strand). Cytogenetic location: 3p21.31.
Variant type: single nucleotide variant.
Coding change: c.1786C>T on transcript NM_005051.3 (MANE Select); coding-DNA position 1786, C replaced by T.
Protein change: p.Pro596Ser; replaces proline 596 with serine.
Molecular consequence: missense variant. On other transcripts: non-coding transcript variant (1).
Genome position (GRCh38, 1-based): chr3:49,098,962, G>A on the plus strand (C>T on the coding strand, the complement: QARS1 is on the minus strand). VCF-style: chr3-49098962-G-A. GRCh37 (hg19) VCF-style: chr3-49136395-G-A.
Other names: c.1753C>T, p.Pro585Ser (NM_001272073.2); short protein forms P585S, P596S.
Identifiers: ClinVar variation 3624931 (VCV003624931.2).